The following is an entry in ClinVar:

ClinVar aggregate classification (germline): Uncertain significance (1 of 4 stars; one submission).

Submission:

Mayo Clinic Laboratories, Mayo Clinic
Classification: Uncertain significance. Last evaluated: 2023-12-11. Review status: criteria provided, single submitter. Criteria: ACMG Guidelines, 2015. Collection method: clinical testing. Allele origin: germline. Observed: 1 variant allele.
Comment: PM2_moderate, PM4

NM_001321759.2(CDIN1):c.91_93del (p.Arg31del)

Gene: CDIN1 (CDAN1 interacting nuclease 1; plus strand). Cytogenetic location: 15q14.
Variant type: Deletion.
Coding change: c.91_93del on transcript NM_001321759.2 (MANE Select); coding-DNA positions 91 to 93, 3 bases deleted (AGG; older notation c.91_93delAGG).
Protein change: p.Arg31del; deletes arginine 31.
Molecular consequence: 5 prime UTR variant (on NM_001321756.2).
Genome position (GRCh38, 1-based): chr15:36,579,951-36,579,953, AGG deleted; deleting any 3 consecutive bases within chr15:36,579,950-36,579,953 gives the same sequence; the c. name uses the placement nearest the transcript's 3' end. VCF-style (leftmost placement, unchanged base first): chr15-36579949-AGAG-A. GRCh37 (hg19) VCF-style: chr15-36872150-AGAG-A.
Other names: p.Arg31del; c.91_93del, p.Arg31del (NM_001130010.3, NM_001290233.2, NM_001321758.2 and 2 more transcripts); c.-158_-156del (NM_001321756.2); c.-313_-311del (NM_001321757.2); short protein forms R31del.
Identifiers: ClinVar variation 3380256 (VCV003380256.1).